The following is an entry in ClinVar:

NM_001244008.2(KIF1A):c.505A>T (p.Arg169Trp)

Gene: KIF1A (kinesin family member 1A; minus strand). Cytogenetic location: 2q37.3.
Variant type: single nucleotide variant.
Coding change: c.505A>T on transcript NM_001244008.2 (MANE Select); coding-DNA position 505, A replaced by T.
Protein change: p.Arg169Trp; replaces arginine 169 with tryptophan.
Molecular consequence: missense variant.
Genome position (GRCh38, 1-based): chr2:240,786,438, T>A on the plus strand (A>T on the coding strand, the complement: KIF1A is on the minus strand). VCF-style: chr2-240786438-T-A. GRCh37 (hg19) VCF-style: chr2-241725855-T-A.
Other names: c.505A>T, p.Arg169Trp (NM_001320705.2, NM_001330289.2, NM_001330290.2 and 20 more transcripts); short protein forms R169W.
Identifiers: ClinVar variation 4538461 (VCV004538461.1).

ClinVar aggregate classification (germline): Likely pathogenic (1 of 4 stars; one submission).

Conditions:
Spastic paraplegia 30A, autosomal dominant. Identifiers: MedGen CN380650, MONDO:0700307, OMIM 610357.

Submission:

Genomic Research Center, Shahid Beheshti University of Medical Sciences
Classification: Likely pathogenic for Spastic paraplegia 30A, autosomal dominant. Last evaluated: 2024-08-07. Review status: criteria provided, single submitter. Criteria: ACMG Guidelines, 2015. Collection method: clinical testing. Allele origin: de novo. Affected: yes. Observed: 1 heterozygote.
Comment: This missense variant is located in a critical functional domain of the protein and is absent in population databases. Other missense changes affecting the same residue have been reported as pathogenic. Computational prediction tools indicate a deleterious effect on protein function.